The following is an entry in ClinVar:

NM_001039111.3(TRIM71):c.1373G>A (p.Arg458Gln)

Gene: TRIM71 (tripartite motif containing 71; plus strand). Cytogenetic location: 3p22.3.
Variant type: single nucleotide variant.
Coding change: c.1373G>A on transcript NM_001039111.3 (MANE Select); coding-DNA position 1373, G replaced by A.
Protein change: p.Arg458Gln; replaces arginine 458 with glutamine.
Molecular consequence: missense variant.
Genome position (GRCh38, 1-based): chr3:32,890,577, G>A. VCF-style: chr3-32890577-G-A. GRCh37 (hg19) VCF-style: chr3-32932069-G-A.
Other names: short protein forms R458Q.
Identifiers: ClinVar variation 3357691 (VCV003357691.1).

ClinVar aggregate classification (germline): Likely benign (0 of 4 stars; one submission).

Conditions:
TRIM71-related disorder. Also called: TRIM71-related condition.

gnomAD v4.1: 68 of 1,613,876 alleles (0.0042%); highest among the groups gnomAD compares: East Asian, 0.04%; no homozygotes.

Submission:

PreventionGenetics, part of Exact Sciences
Classification: Likely benign for TRIM71-related condition. Last evaluated: 2024-03-24. Review status: no assertion criteria provided. Collection method: clinical testing. Allele origin: germline.
Comment: This variant is classified as likely benign based on ACMG/AMP sequence variant interpretation guidelines (Richards et al. 2015 PMID: 25741868, with internal and published modifications).